The following is an entry in ClinVar:

ClinVar aggregate classification (germline): Pathogenic/Likely pathogenic. Review status: criteria provided, multiple submitters, no conflicts (2 of 4 stars). 7 submissions from 7 submitters: Pathogenic (5); Likely pathogenic (1). 1 of the submissions does not count toward it. Last evaluated 2025-03-21.

Conditions:
Ataxia-telangiectasia syndrome (AT). Also called: Cerebello-oculocutaneous telangiectasia; Immunodeficiency with ataxia telangiectasia; Ataxia-telangiectasia, complementation group D; AT, COMPLEMENTATION GROUP C; Ataxia-telangiectasia, complementation group E; ATAXIA-TELANGIECTASIA, COMPLEMENTATION GROUP A. Identifiers: Orphanet 100, MedGen C0004135, MONDO:0008840, OMIM 208900.
Hereditary cancer-predisposing syndrome. Also called: Neoplastic Syndromes, Hereditary; Hereditary Cancer Syndrome; Tumor predisposition; Hereditary neoplastic syndrome. Identifiers: Orphanet 140162, MedGen C0027672, MeSH D009386, MONDO:0015356.
Familial cancer of breast. Also called: Hereditary breast cancer; BREAST CANCER, FAMILIAL; hereditary breast carcinoma. Identifiers: Orphanet 227535, MedGen C0346153, MONDO:0016419, OMIM 114480. Disease mechanism: loss of function.
Malignant tumor of urinary bladder. Also called: Urinary bladder cancer; Urinary Bladder Neoplasms; Bladder cancer. Identifiers: MedGen C0005684, MONDO:0001187, OMIM 109800.

Allele frequency attached by ClinVar (database versions not stated): gnomAD exomes below 0.00001.
gnomAD v4.1: 1 of 1,614,082 alleles (0.000062%); highest among the groups gnomAD compares: Non-Finnish European, 0.000085%; no homozygotes.

Submissions (7):

Department of Clinical Genetics, Copenhagen University Hospital, Rigshospitalet
Classification: Likely pathogenic for Ataxia-telangiectasia syndrome. Last evaluated: 2025-03-21. Review status: criteria provided, single submitter. Criteria: ACMG Guidelines, 2015. Collection method: clinical testing. Allele origin: germline.
Comment: The following ACMG criteria has been used: PVS1; PM2_SUP

Molecular Diagnostics Laboratory, Catalan Institute of Oncology
Classification: Pathogenic for Hereditary cancer-predisposing syndrome. Last evaluated: 2024-09-02. Review status: criteria provided, single submitter. Criteria: ClinGen ACMG Specifications ATM V1.1.0. Collection method: clinical testing. Allele origin: germline.
Comment: PVS1, PM2_Supporting, PM5_Supporting c.1501C>T, located in exon 10 of the ATM gene, is expected to result in loss of function by premature protein truncation before codon 501, p.(Gln501*). This alteration is expected to result in loss of function by premature protein truncation and nonsense-mediated mRNA decay (PVS1, PM5_Supporting). The variant allele was found in 1/268108 alleles in the population database gnomAD v2.1.1 (non cancer dataset) (PM2_Suppporting). The SpliceAI algorithm predicts no significant impact on splicing. To our knowledge, functional studies have not been reported for this variant. In addition, it has been reported in ClinVar database (5x pathogenic)and in the LOVD database (1x not classified). Based on currently available information, the variant c.1501C>T is classified as a pathogenic variant according to ClinGen-ATM Guidelines version v1.1.

Myriad Genetics, Inc.
Classification: Pathogenic for Familial cancer of breast. Last evaluated: 2023-11-16. Review status: criteria provided, single submitter. Criteria: Myriad Autosomal Dominant, Autosomal Recessive and X-Linked Classification Criteria (2023). Collection method: clinical testing. Allele origin: unknown.
Comment: This variant is considered pathogenic. This variant creates a termination codon and is predicted to result in premature protein truncation.

Ambry Genetics
Classification: Pathogenic for Hereditary cancer-predisposing syndrome. Last evaluated: 2023-11-10. Review status: criteria provided, single submitter. Criteria: Ambry Variant Classification Scheme 2023. Collection method: clinical testing. Allele origin: germline.
Comment: The p.Q501* pathogenic mutation (also known as c.1501C>T), located in coding exon 9 of the ATM gene, results from a C to T substitution at nucleotide position 1501. This changes the amino acid from a glutamine to a stop codon within coding exon 9. This alteration was identified in a cohort of pancreatic cancer patients (Hu C et al. JAMA. 2018 06;319:2401-2409). In addition to the clinical data presented in the literature, this alteration is expected to result in loss of function by premature protein truncation or nonsense-mediated mRNA decay. As such, this alteration is interpreted as a disease-causing mutation.

CeGaT Center for Human Genetics Tuebingen
Classification: Pathogenic. Last evaluated: 2023-08-01. Review status: criteria provided, single submitter. Criteria: CeGaT Center For Human Genetics Tuebingen Variant Classification Criteria Version 2. Collection method: clinical testing. Allele origin: germline. Affected: yes. Observed: 1 variant allele.
Comment: ATM: PVS1, PM2

Labcorp Genetics (formerly Invitae), Labcorp
Classification: Pathogenic for Ataxia-telangiectasia syndrome. Last evaluated: 2019-10-19. Review status: criteria provided, single submitter. Criteria: Invitae Variant Classification Sherloc (09022015). Collection method: clinical testing. Allele origin: germline.
Comment: For these reasons, this variant has been classified as Pathogenic. Loss-of-function variants in ATM are known to be pathogenic (PMID: 23807571, 25614872). This variant has not been reported in the literature in individuals with ATM-related disease. This variant is not present in population databases (ExAC no frequency). This sequence change creates a premature translational stop signal (p.Gln501*) in the ATM gene. It is expected to result in an absent or disrupted protein product.

Laboratory of Urology, Hospital Clinic de Barcelona
Classification: Pathogenic for Malignant tumor of urinary bladder. Review status: no assertion criteria provided. Collection method: research. Allele origin: somatic. Affected: yes. Not counted in ClinVar's aggregate classification.

Literature cited by the submitters: PubMed 29922827 (cited by Ambry Genetics); PubMed 23807571 (cited by Labcorp Genetics (formerly Invitae), Labcorp); PubMed 25614872 (cited by Labcorp Genetics (formerly Invitae), Labcorp).

NM_000051.4(ATM):c.1501C>T (p.Gln501Ter)

Gene: ATM (ATM serine/threonine kinase; plus strand). Cytogenetic location: 11q22.3.
Variant type: single nucleotide variant.
Coding change: c.1501C>T on transcript NM_000051.4 (MANE Select); coding-DNA position 1501, C replaced by T.
Protein change: p.Gln501Ter; replaces glutamine 501 with a stop codon.
Molecular consequence: nonsense.
Genome position (GRCh38, 1-based): chr11:108,250,966, C>T. VCF-style: chr11-108250966-C-T. GRCh37 (hg19) VCF-style: chr11-108121693-C-T.
Other names: c.1501C>T, p.Gln501Ter (NM_001351834.2); short protein forms Q501*.
Identifiers: ClinVar variation 524245 (VCV000524245.38), dbSNP rs1281817400, ClinGen allele CA382534233.